The following is an entry in ClinVar:

NM_000321.3(RB1):c.2707G>C (p.Glu903Gln)

Gene: RB1 (RB transcriptional corepressor 1; plus strand). Cytogenetic location: 13q14.2.
Variant type: single nucleotide variant.
Coding change: c.2707G>C on transcript NM_000321.3 (MANE Select); coding-DNA position 2707, G replaced by C.
Protein change: p.Glu903Gln; replaces glutamic acid 903 with glutamine.
Molecular consequence: missense variant.
Genome position (GRCh38, 1-based): chr13:48,477,398, G>C. VCF-style: chr13-48477398-G-C. GRCh37 (hg19) VCF-style: chr13-49051534-G-C.
Other names: c.2707G>C, p.Glu903Gln (NM_001407165.1); c.157G>C, p.Glu53Gln (NM_001407168.1); short protein forms E53Q, E903Q.
Identifiers: ClinVar variation 2830928 (VCV002830928.3), dbSNP rs2138360991, ClinGen allele CA388157914.

ClinVar aggregate classification (germline): Uncertain significance (1 of 4 stars; one submission).

Conditions:
Retinoblastoma (RB1). Also called: RETINOBLASTOMA, SOMATIC. Identifiers: Orphanet 790, MedGen C0035335, MeSH D012175, MONDO:0008380, OMIM 180200, HP:0009919. Disease mechanism: loss of function. Inheritance: Both sporadic and heritable forms are tested..

Submission:

Labcorp Genetics (formerly Invitae), Labcorp
Classification: Uncertain significance for Retinoblastoma. Last evaluated: 2024-04-10. Review status: criteria provided, single submitter. Criteria: Invitae Variant Classification Sherloc (09022015). Collection method: clinical testing. Allele origin: germline.
Comment: This sequence change replaces glutamic acid, which is acidic and polar, with glutamine, which is neutral and polar, at codon 903 of the RB1 protein (p.Glu903Gln). This variant is not present in population databases (gnomAD no frequency). This variant has not been reported in the literature in individuals affected with RB1-related conditions. Advanced modeling of protein sequence and biophysical properties (such as structural, functional, and spatial information, amino acid conservation, physicochemical variation, residue mobility, and thermodynamic stability) has been performed at Invitae for this missense variant, however the output from this modeling did not meet the statistical confidence thresholds required to predict the impact of this variant on RB1 protein function. In summary, the available evidence is currently insufficient to determine the role of this variant in disease. Therefore, it has been classified as a Variant of Uncertain Significance.